The following is an entry in ClinVar:

NM_020975.6(RET):c.2369T>C (p.Leu790Ser)

Gene: RET (ret proto-oncogene; plus strand). Cytogenetic location: 10q11.21.
Variant type: single nucleotide variant.
Coding change: c.2369T>C on transcript NM_020975.6 (MANE Select); coding-DNA position 2369, T replaced by C.
Protein change: p.Leu790Ser; replaces leucine 790 with serine.
Molecular consequence: missense variant.
Genome position (GRCh38, 1-based): chr10:43,118,457, T>C. VCF-style: chr10-43118457-T-C. GRCh37 (hg19) VCF-style: chr10-43613905-T-C.
Other names: c.1931T>C, p.Leu644Ser (NM_001406773.1, NM_001406771.1); c.1844T>C, p.Leu615Ser (NM_001406774.1); c.1643T>C, p.Leu548Ser (NM_001406775.1, NM_001406776.1, NM_001406777.1 and 1 more transcripts); c.1472T>C, p.Leu491Ser (NM_001406779.1, NM_001406780.1, NM_001406781.1 and 1 more transcripts); c.920T>C, p.Leu307Ser (NM_001406792.1, NM_001406793.1, NM_001406794.1); c.2369T>C, p.Leu790Ser (NM_020629.2, NM_020630.7, NM_000323.2 and 4 more transcripts); c.1607T>C, p.Leu536Ser (NM_001355216.2); c.2240T>C, p.Leu747Ser (NM_001406761.1, NM_001406762.1, NM_001406764.1); and 10 more; short protein forms L355S, L491S, L644S, L658S, L747S, L448S, L745S, L446S.
Identifiers: ClinVar variation 2843367 (VCV002843367.3), dbSNP rs149148794, ClinGen allele CA376555864.

ClinVar aggregate classification (germline): Uncertain significance (1 of 4 stars; one submission).

Conditions:
Multiple endocrine neoplasia, type 2 (MEN2). Identifiers: Orphanet 653, MedGen C4048306, MONDO:0019003. Disease mechanism: gain of function.

Submission:

Labcorp Genetics (formerly Invitae), Labcorp
Classification: Uncertain significance for Multiple endocrine neoplasia, type 2. Last evaluated: 2023-03-07. Review status: criteria provided, single submitter. Criteria: Invitae Variant Classification Sherloc (09022015). Collection method: clinical testing. Allele origin: germline.
Comment: This sequence change replaces leucine, which is neutral and non-polar, with serine, which is neutral and polar, at codon 790 of the RET protein (p.Leu790Ser). This variant is not present in population databases (gnomAD no frequency). This variant has not been reported in the literature in individuals affected with RET-related conditions. An algorithm developed to predict the effect of missense changes on protein structure and function (PolyPhen-2) suggests that this variant is likely to be disruptive. This variant disrupts the p.Leu790 amino acid residue in RET. Other variant(s) that disrupt this residue have been determined to be pathogenic (PMID: 9506724, 12409662, 12490841, 21688339, 21810974). This suggests that this residue is clinically significant, and that variants that disrupt this residue are likely to be disease-causing. In summary, the available evidence is currently insufficient to determine the role of this variant in disease. Therefore, it has been classified as a Variant of Uncertain Significance.

Literature cited by the submitters: PubMed 9506724; PubMed 12409662; PubMed 12490841; PubMed 21688339; PubMed 21810974.